The following is an entry in ClinVar:

NM_000051.4(ATM):c.4048A>T (p.Thr1350Ser)

Gene: ATM (ATM serine/threonine kinase; plus strand). Cytogenetic location: 11q22.3.
Variant type: single nucleotide variant.
Coding change: c.4048A>T on transcript NM_000051.4 (MANE Select); coding-DNA position 4048, A replaced by T.
Protein change: p.Thr1350Ser; replaces threonine 1350 with serine.
Molecular consequence: missense variant.
Genome position (GRCh38, 1-based): chr11:108,287,654, A>T. VCF-style: chr11-108287654-A-T. GRCh37 (hg19) VCF-style: chr11-108158381-A-T.
Other names: c.4048A>T, p.Thr1350Ser (NM_001351834.2); short protein forms T1350S.
Identifiers: ClinVar variation 3720451 (VCV003720451.2).

ClinVar aggregate classification (germline): Uncertain significance (1 of 4 stars; one submission).

Conditions:
Ataxia-telangiectasia syndrome (AT). Also called: ATAXIA-TELANGIECTASIA, COMPLEMENTATION GROUP A; ATAXIA-TELANGIECTASIA, FRESNO VARIANT; Ataxia-telangiectasia; Ataxia-telangiectasia, complementation group E; Ataxia telangiectasia (A-T); LOUIS-BAR SYNDROME. Identifiers: Orphanet 100, MedGen C0004135, MONDO:0008840, OMIM 208900.

Submission:

Labcorp Genetics (formerly Invitae), Labcorp
Classification: Uncertain significance for Ataxia-telangiectasia syndrome. Last evaluated: 2025-01-16. Review status: criteria provided, single submitter. Criteria: Invitae Variant Classification Sherloc (09022015). Collection method: clinical testing. Allele origin: germline.
Comment: This sequence change replaces threonine, which is neutral and polar, with serine, which is neutral and polar, at codon 1350 of the ATM protein (p.Thr1350Ser). This variant is not present in population databases (gnomAD no frequency). This variant has not been reported in the literature in individuals affected with ATM-related conditions. Invitae Evidence Modeling of protein sequence and biophysical properties (such as structural, functional, and spatial information, amino acid conservation, physicochemical variation, residue mobility, and thermodynamic stability) indicates that this missense variant is not expected to disrupt ATM protein function with a negative predictive value of 95%. In summary, the available evidence is currently insufficient to determine the role of this variant in disease. Therefore, it has been classified as a Variant of Uncertain Significance.